The following is an entry in ClinVar:

ClinVar aggregate classification (germline): Uncertain significance (1 of 4 stars; one submission).

Conditions:
Hereditary cancer-predisposing syndrome. Also called: Neoplastic Syndromes, Hereditary; Tumor predisposition; Hereditary neoplastic syndrome; Hereditary Cancer Syndrome. Identifiers: Orphanet 140162, MedGen C0027672, MeSH D009386, MONDO:0015356.

Submission:

Ambry Genetics
Classification: Uncertain significance for Hereditary cancer-predisposing syndrome. Last evaluated: 2024-04-20. Review status: criteria provided, single submitter. Criteria: Ambry Variant Classification Scheme 2023. Collection method: clinical testing. Allele origin: germline.
Comment: The p.E647V variant (also known as c.1940A>T), located in coding exon 7 of the AXIN2 gene, results from an A to T substitution at nucleotide position 1940. The glutamic acid at codon 647 is replaced by valine, an amino acid with dissimilar properties. This amino acid position is conserved. In addition, the in silico prediction for this alteration is inconclusive. Based on the available evidence, the clinical significance of this variant remains unclear.

NM_004655.4(AXIN2):c.1940A>T (p.Glu647Val)

Gene: AXIN2 (axin 2; minus strand). Cytogenetic location: 17q24.1.
Variant type: single nucleotide variant.
Coding change: c.1940A>T on transcript NM_004655.4 (MANE Select); coding-DNA position 1940, A replaced by T.
Protein change: p.Glu647Val; replaces glutamic acid 647 with valine.
Molecular consequence: missense variant.
Genome position (GRCh38, 1-based): chr17:65,536,521, T>A on the plus strand (A>T on the coding strand, the complement: AXIN2 is on the minus strand). VCF-style: chr17-65536521-T-A. GRCh37 (hg19) VCF-style: chr17-63532639-T-A.
Other names: c.1745A>T, p.Glu582Val (NM_001363813.1); short protein forms E582V, E647V.
Identifiers: ClinVar variation 3335658 (VCV003335658.1).